The following is an entry in ClinVar:

NM_058216.3(RAD51C):c.-24C>G

Gene: RAD51C (RAD51 paralog C; plus strand). Cytogenetic location: 17q22.
Variant type: single nucleotide variant.
Coding change: c.-24C>G on transcript NM_058216.3 (MANE Select); 24 bases upstream of the start codon, C replaced by G.
Molecular consequence: 5 prime UTR variant. On other transcripts: non-coding transcript variant (2).
Genome position (GRCh38, 1-based): chr17:58,692,620, C>G. VCF-style: chr17-58692620-C-G. GRCh37 (hg19) VCF-style: chr17-56769981-C-G.
Other names: c.-24C>G (NM_002876.4).
Identifiers: ClinVar variation 387037 (VCV000387037.1), dbSNP rs181444396, ClinGen allele CA8677105.
Genomic context (GRCh38, chr17:58,692,620, plus strand): 5'-CCGCTTTACGTCTGACGTCACGCCGCACGCCCCAGCGAGGGCGTGCGGAGTTTGGCTGCT[C>G]CGGGGTTAGCAGGTGAGCCTGCGATGCGCGGGAAGACGTTCCGCTTTGAAATGCAGCGGG-3'

ClinVar aggregate classification (germline): Likely benign (1 of 4 stars; one submission).

gnomAD v4.1: 4 of 1,613,386 alleles (0.00025%); highest among the groups gnomAD compares: Non-Finnish European, 0.00034%; no homozygotes.

Submission:

GeneDx
Classification: Likely benign. Last evaluated: 2016-06-15. Review status: criteria provided, single submitter. Criteria: GeneDx Variant Classification (06012015). Collection method: clinical testing. Allele origin: germline. Affected: yes.
Comment: This variant is considered likely benign or benign based on one or more of the following criteria: it is a conservative change, it occurs at a poorly conserved position in the protein, it is predicted to be benign by multiple in silico algorithms, and/or has population frequency not consistent with disease.